The following is an entry in ClinVar:

ClinVar aggregate classification (germline): Conflicting classifications of pathogenicity. Review status: criteria provided, conflicting classifications (1 of 4 stars). 5 submissions from 5 submitters: Uncertain significance (3); Likely benign (1). 1 of the submissions does not count toward it. Last evaluated 2022-09-09.

Conditions:
CDH23-related disorder. Also called: CDH23-related condition; CDH23-related disorders.

Allele frequency attached by ClinVar (database versions not stated): TOPMed 0.00006; gnomAD 0.00007 and 0.00009; gnomAD exomes 0.00011; ExAC 0.00017.
gnomAD v4.1: 123 of 1,607,580 alleles (0.0077%); highest among the groups gnomAD compares: Middle Eastern, 0.12%; 1 homozygote.

Submissions (5):

GeneDx
Classification: Uncertain significance. Last evaluated: 2022-09-09. Review status: criteria provided, single submitter. Criteria: GeneDx Variant Classification Process June 2021. Collection method: clinical testing. Allele origin: germline. Affected: yes.
Comment: In silico analysis supports that this missense variant does not alter protein structure/function; Has not been previously published as pathogenic or benign to our knowledge; This variant is associated with the following publications: (PMID: 15537665)

Labcorp Genetics (formerly Invitae), Labcorp
Classification: Uncertain significance. Last evaluated: 2022-08-20. Review status: criteria provided, single submitter. Criteria: Invitae Variant Classification Sherloc (09022015). Collection method: clinical testing. Allele origin: germline.
Comment: This sequence change replaces valine, which is neutral and non-polar, with methionine, which is neutral and non-polar, at codon 1024 of the CDH23 protein (p.Val1024Met). This variant is present in population databases (rs397517319, gnomAD 0.02%). This variant has not been reported in the literature in individuals affected with CDH23-related conditions. ClinVar contains an entry for this variant (Variation ID: 45907). Algorithms developed to predict the effect of missense changes on protein structure and function are either unavailable or do not agree on the potential impact of this missense change (SIFT: "Deleterious"; PolyPhen-2: "Not Available"; Align-GVGD: "Class C15"). In summary, the available evidence is currently insufficient to determine the role of this variant in disease. Therefore, it has been classified as a Variant of Uncertain Significance.

CeGaT Center for Human Genetics Tuebingen
Classification: Uncertain significance. Last evaluated: 2019-01-01. Review status: criteria provided, single submitter. Criteria: CeGaT Center For Human Genetics Tuebingen Variant Classification Criteria Version 2. Collection method: clinical testing. Allele origin: germline. Affected: yes. Observed: 2 variant alleles.

Laboratory for Molecular Medicine, Mass General Brigham Personalized Medicine
Classification: Likely benign. Last evaluated: 2014-08-11. Review status: criteria provided, single submitter. Criteria: LMM Criteria. Collection method: clinical testing. Allele origin: germline. Observed: 2 variant alleles.
Comment: Val1024Met in exon 26A of CDH23: This variant is not expected to have clinical s ignificance due to a lack of conservation across species, including mammals. Of note, 3 mammals, naked mole rat, Pacific walrus, and elephant, have a methionine (Met) at this position despite high nearby amino acid conservation. In addition , computational prediction tools do not suggest a high likelihood of impact to t he protein.

PreventionGenetics, part of Exact Sciences
Classification: Uncertain significance for CDH23-related condition. Last evaluated: 2024-09-12. Review status: no assertion criteria provided. Collection method: clinical testing. Allele origin: germline. Not counted in ClinVar's aggregate classification.
Comment: The CDH23 c.3070G>A variant is predicted to result in the amino acid substitution p.Val1024Met. To our knowledge, this variant has not been reported in the literature. This variant is reported in 0.017% of alleles in individuals of South Asian descent in gnomAD. At this time, the clinical significance of this variant is uncertain due to the absence of conclusive functional and genetic evidence.

NM_022124.6(CDH23):c.3070G>A (p.Val1024Met)

Gene: CDH23 (cadherin related 23; plus strand). Cytogenetic location: 10q22.1.
Variant type: single nucleotide variant.
Coding change: c.3070G>A on transcript NM_022124.6 (MANE Select); coding-DNA position 3070, G replaced by A.
Protein change: p.Val1024Met; replaces valine 1024 with methionine.
Molecular consequence: missense variant.
Genome position (GRCh38, 1-based): chr10:71,707,013, G>A. VCF-style: chr10-71707013-G-A. GRCh37 (hg19) VCF-style: chr10-73466770-G-A.
Other names: c.3070G>A, p.Val1024Met (NM_001171930.2, NM_001171931.2); short protein forms V1024M.
Identifiers: ClinVar variation 45907 (VCV000045907.50), dbSNP rs397517319, ClinGen allele CA137349.